The following is an entry in ClinVar:

ClinVar aggregate classification (germline): Uncertain significance (1 of 4 stars; one submission).

Conditions:
Perlman syndrome (PRLMNS). Identifiers: Orphanet 2849, MedGen C0796113, MONDO:0009965, OMIM 267000.

Allele frequency attached by ClinVar (database versions not stated): gnomAD exomes below 0.00001.
gnomAD v4.1: 1 of 1,603,700 alleles (0.000062%); highest among the groups gnomAD compares: African/African-American, 0.0013%; no homozygotes.

Submission:

Labcorp Genetics (formerly Invitae), Labcorp
Classification: Uncertain significance for Perlman syndrome. Last evaluated: 2021-03-08. Review status: criteria provided, single submitter. Criteria: Invitae Variant Classification Sherloc (09022015). Collection method: clinical testing. Allele origin: germline.
Comment: This variant has not been reported in the literature in individuals with DIS3L2-related conditions. In summary, the available evidence is currently insufficient to determine the role of this variant in disease. Therefore, it has been classified as a Variant of Uncertain Significance. Algorithms developed to predict the effect of missense changes on protein structure and function are either unavailable or do not agree on the potential impact of this missense change (SIFT: "Tolerated"; PolyPhen-2: "Possibly Damaging"; Align-GVGD: "Class C0"). This variant is not present in population databases (ExAC no frequency). This sequence change replaces lysine with threonine at codon 79 of the DIS3L2 protein (p.Lys79Thr). The lysine residue is moderately conserved and there is a moderate physicochemical difference between lysine and threonine.

NM_152383.5(DIS3L2):c.236A>C (p.Lys79Thr)

Gene: DIS3L2 (DIS3 like 3'-5' exoribonuclease 2; plus strand). Cytogenetic location: 2q37.1.
Variant type: single nucleotide variant.
Coding change: c.236A>C on transcript NM_152383.5 (MANE Select); coding-DNA position 236, A replaced by C.
Protein change: p.Lys79Thr; replaces lysine 79 with threonine.
Molecular consequence: missense variant. On other transcripts: non-coding transcript variant (2).
Genome position (GRCh38, 1-based): chr2:232,024,302, A>C. VCF-style: chr2-232024302-A-C. GRCh37 (hg19) VCF-style: chr2-232889012-A-C.
Other names: c.236A>C, p.Lys79Thr (NM_001257281.2, NM_001257282.2); short protein forms K79T.
Identifiers: ClinVar variation 1426212 (VCV001426212.8), dbSNP rs1694599188, ClinGen allele CA351152763.